The following is an entry in ClinVar:

ClinVar aggregate classification (germline): Benign. Review status: criteria provided, multiple submitters, no conflicts (2 of 4 stars). 3 submissions from 3 submitters: Benign (2). 1 of the submissions does not count toward it. Last evaluated 2026-02-02.

Conditions:
ANKZF1-related disorder. Also called: ANKZF1-related condition.

Allele frequency attached by ClinVar (database versions not stated): ESP Exome Variant Server 0.00008; TOPMed 0.00118; gnomAD 0.00298 and 0.00309; ExAC 0.00383; gnomAD exomes 0.00414; 1000 Genomes Project 30x 0.00437; 1000 Genomes Project 0.00499.
gnomAD v4.1: 2,939 of 1,613,898 alleles (0.18%); highest among the groups gnomAD compares: East Asian, 1.6%; 24 homozygotes.

Submissions (3):

Labcorp Genetics (formerly Invitae), Labcorp
Classification: Benign. Last evaluated: 2026-02-02. Review status: criteria provided, single submitter. Criteria: Invitae Variant Classification Sherloc (09022015). Collection method: clinical testing. Allele origin: germline.

Breakthrough Genomics
Classification: Benign. Review status: criteria provided, single submitter. Criteria: ACMG Guidelines, 2015. Collection method: not provided. Allele origin: germline. Inheritance: Unknown mechanism. Affected: yes.

PreventionGenetics, part of Exact Sciences
Classification: Benign for ANKZF1-related condition. Last evaluated: 2024-03-11. Review status: no assertion criteria provided. Collection method: clinical testing. Allele origin: germline. Not counted in ClinVar's aggregate classification.
Comment: This variant is classified as benign based on ACMG/AMP sequence variant interpretation guidelines (Richards et al. 2015 PMID: 25741868, with internal and published modifications).

NM_018089.3(ANKZF1):c.1725G>A (p.Ala575=)

Gene: ANKZF1 (ankyrin repeat and zinc finger peptidyl tRNA hydrolase 1; plus strand). Cytogenetic location: 2q35.
Variant type: single nucleotide variant.
Coding change: c.1725G>A on transcript NM_018089.3 (MANE Select); coding-DNA position 1725, G replaced by A.
Protein change: p.Ala575=; no amino-acid change (alanine 575 retained).
Molecular consequence: synonymous variant.
Genome position (GRCh38, 1-based): chr2:219,235,507, G>A. VCF-style: chr2-219235507-G-A. GRCh37 (hg19) VCF-style: chr2-220100229-G-A.
Other names: c.1725G>A, p.Ala575= (NM_001042410.2); c.1095G>A, p.Ala365= (NM_001282792.2); c.1725G>A (NM_018089.2).
Identifiers: ClinVar variation 1164551 (VCV001164551.12), dbSNP rs2293077, ClinGen allele CA2121149.